The following is an entry in ClinVar:

NC_000009.12:g.(?_214957)_(304724_?)dup

Genes: DOCK8 (dedicator of cytokinesis 8; plus strand), DOCK8-AS1 (DOCK8 antisense RNA 1; minus strand). Cytogenetic location: 9p24.3.
Variant type: Duplication.
Identifiers: ClinVar variation 831499 (VCV000831499.1).

ClinVar aggregate classification (germline): Uncertain significance (1 of 4 stars; one submission).

Conditions:
Combined immunodeficiency due to DOCK8 deficiency (HIES2). Also called: DOCK8 Deficiency; HIES autosomal recessive; Hyper-IgE recurrent infection syndrome, autosomal recessive; HYPER-IgE RECURRENT INFECTION SYNDROME 2, AUTOSOMAL RECESSIVE; HYPER-IgE SYNDROME 2, AUTOSOMAL RECESSIVE, WITH RECURRENT INFECTIONS. Identifiers: Orphanet 217390, MedGen C4722305, MONDO:0009478, OMIM 243700.

Submission:

Labcorp Genetics (formerly Invitae), Labcorp
Classification: Uncertain significance for Hyper-Immunoglobulin E Syndrome, Autosomal Recessive. Last evaluated: 2019-11-27. Review status: criteria provided, single submitter. Criteria: Invitae Variant Classification Sherloc (09022015). Collection method: clinical testing. Allele origin: germline.
Comment: This variant results in a copy number gain of the genomic region encompassing exons 1-5 of the DOCK8 gene, which includes the initiator codon. The 5' end of this event is unknown as it extends beyond the assayed region for this gene and therefore may encompass additional genes. The 3' boundary is likely confined to intron 5 of the DOCK8 gene. As the precise location of this event is unknown, it may be in tandem or it may be located elsewhere in the genome. This variant has not been reported in the literature in individuals with DOCK8-related conditions. In summary, the available evidence is currently insufficient to determine the role of this variant in disease. Therefore, it has been classified as a Variant of Uncertain Significance.